The following is an entry in ClinVar:

NM_201384.3(PLEC):c.2739+19C>T

Gene: PLEC (plectin; minus strand). Cytogenetic location: 8q24.3.
Variant type: single nucleotide variant.
Coding change: c.2739+19C>T on transcript NM_201384.3 (MANE Select); 19 bases into the intron after coding-DNA position 2739, C replaced by T.
Molecular consequence: intron variant.
Genome position (GRCh38, 1-based): chr8:143,929,917, G>A on the plus strand (C>T on the coding strand, the complement: PLEC is on the minus strand). VCF-style: chr8-143929917-G-A. GRCh37 (hg19) VCF-style: chr8-145004085-G-A.
Other names: c.2820+19C>T (NM_000445.5); c.2697+19C>T (NM_201378.4); c.2673+19C>T (NM_201379.3); c.3150+19C>T (NM_201380.4); c.2643+19C>T (NM_201381.3); c.2739+19C>T (NM_201382.4); c.2751+19C>T (NM_201383.3).
Identifiers: ClinVar variation 383651 (VCV000383651.9), dbSNP rs528054194, ClinGen allele CA4927391.

ClinVar aggregate classification (germline): Likely benign. Review status: criteria provided, multiple submitters, no conflicts (2 of 4 stars). 2 submissions from 2 submitters: Likely benign (2). Last evaluated 2025-11-13.

Conditions:
Epidermolysis bullosa simplex 5B, with muscular dystrophy (EBS5B). Also called: Epidermolysis bullosa simplex with muscular dystrophy; EPIDERMOLYSIS BULLOSA SIMPLEX AND LIMB-GIRDLE MUSCULAR DYSTROPHY. Identifiers: Orphanet 257, MedGen C2931072, MONDO:0009181, OMIM 226670.
Epidermolysis bullosa simplex, Ogna type (EBS5A). Also called: Pidermolysis bullosa simplex 5A, Ogna type; EPIDERMOLYSIS BULLOSA SIMPLEX 5A, OGNA TYPE. Identifiers: Orphanet 79401, MedGen C0432317, MONDO:0007555, OMIM 131950.
Autosomal recessive limb-girdle muscular dystrophy type 2Q (LGMDR17). Also called: MUSCULAR DYSTROPHY, LIMB-GIRDLE, AUTOSOMAL RECESSIVE 17. Identifiers: Orphanet 254361, MedGen C3150989, MONDO:0013390, OMIM 613723.
Epidermolysis bullosa simplex 5C, with pyloric atresia (EBS5C). Also called: PLEC-Related Epidermolysis Bullosa with Pyloric Atresia; Epidermolysis bullosa simplex with pyloric atresia; PLEC1-Related Epidermolysis Bullosa with Pyloric Atresia. Identifiers: Orphanet 158684, MedGen C2677349, MONDO:0012807, OMIM 612138.
Epidermolysis bullosa simplex with nail dystrophy (EBS5D). Identifiers: MedGen C4225309, MONDO:0014661, OMIM 616487.

Allele frequency attached by ClinVar (database versions not stated): gnomAD exomes 0.00001; gnomAD 0.00003; TOPMed 0.00005.
gnomAD v4.1: 25 of 1,607,402 alleles (0.0016%); highest among the groups gnomAD compares: Admixed American, 0.01%; no homozygotes.

Submissions (2):

Labcorp Genetics (formerly Invitae), Labcorp
Classification: Likely benign for Autosomal recessive limb-girdle muscular dystrophy type 2Q; Epidermolysis bullosa simplex, Ogna type; Epidermolysis bullosa simplex with nail dystrophy; Epidermolysis bullosa simplex 5C, with pyloric atresia; Epidermolysis bullosa simplex 5B, with muscular dystrophy. Last evaluated: 2025-11-13. Review status: criteria provided, single submitter. Criteria: Invitae Variant Classification Sherloc (09022015). Collection method: clinical testing. Allele origin: germline.

GeneDx
Classification: Likely benign. Last evaluated: 2016-02-29. Review status: criteria provided, single submitter. Criteria: GeneDx Variant Classification (06012015). Collection method: clinical testing. Allele origin: germline. Affected: yes.
Comment: This variant is considered likely benign or benign based on one or more of the following criteria: it is a conservative change, it occurs at a poorly conserved position in the protein, it is predicted to be benign by multiple in silico algorithms, and/or has population frequency not consistent with disease.